The following is an entry in ClinVar:

ClinVar aggregate classification (germline): Conflicting classifications of pathogenicity. Review status: criteria provided, conflicting classifications (1 of 4 stars). 6 submissions from 6 submitters: Pathogenic (3); Likely pathogenic (1); Uncertain significance (2). Last evaluated 2026-03-03.

Conditions:
Inborn genetic diseases. Identifiers: MedGen C0950123, MeSH D030342.
Fetal anomalies with a likely genetic cause.
Joubert syndrome 33. Identifiers: MedGen C4540389, MONDO:0033311, OMIM 617767.

Submissions (6):

Genetics Laboratory, Great Ormond Street Hospital NHS Foundation Trust, North Thames Genomic Laboratory Hub
Classification: Pathogenic for Fetal anomalies with a likely genetic cause. Last evaluated: 2026-03-03. Review status: criteria provided, single submitter. Criteria: ACGS Best Practice Guidelines for Variant Classification in Rare Disease 2024 v1.2. Collection method: clinical testing. Allele origin: germline. Affected: yes.
Comment: PM2_moderate, PVS1_very-strong

Labcorp Genetics (formerly Invitae), Labcorp
Classification: Pathogenic. Last evaluated: 2025-10-08. Review status: criteria provided, single submitter. Criteria: Invitae Variant Classification Sherloc (09022015). Collection method: clinical testing. Allele origin: germline.
Comment: This sequence change creates a premature translational stop signal (p.Asn658Lysfs*15) in the PIBF1 gene. It is expected to result in an absent or disrupted protein product. Loss-of-function variants in PIBF1 are known to be pathogenic (PMID: 28688840, 33004012). This variant is present in population databases (rs146814641, gnomAD 0.01%). This variant has not been reported in the literature in individuals affected with PIBF1-related conditions. ClinVar contains an entry for this variant (Variation ID: 2396608). For these reasons, this variant has been classified as Pathogenic.

First Genomix Gene Laboratory, Genetic Diagnostics Department
Classification: Likely pathogenic for Joubert syndrome 33. Last evaluated: 2025-03-20. Review status: criteria provided, single submitter. Criteria: ACMG Guidelines, 2015. Collection method: clinical testing. Allele origin: germline. Inheritance: Autosomal recessive inheritance. Affected: no. Observed: 1 variant allele.

GeneDx
Classification: Uncertain significance. Last evaluated: 2023-11-16. Review status: criteria provided, single submitter. Criteria: GeneDx Variant Classification Process June 2021. Collection method: clinical testing. Allele origin: germline. Affected: yes.
Comment: Frameshift variant predicted to result in protein truncation or nonsense mediated decay in a gene or region of a gene for which loss of function is not a well-established mechanism of disease; Not observed at significant frequency in large population cohorts (gnomAD); Has not been previously published as pathogenic or benign to our knowledge

Department of Pathology and Laboratory Medicine, Sinai Health System
Classification: Uncertain significance for Joubert syndrome 33. Last evaluated: 2023-01-10. Review status: criteria provided, single submitter. Criteria: ACMG Guidelines, 2015. Collection method: research. Allele origin: germline.

Ambry Genetics
Classification: Pathogenic for Inborn genetic diseases. Last evaluated: 2021-07-27. Review status: criteria provided, single submitter. Criteria: Ambry Variant Classification Scheme 2023. Collection method: clinical testing. Allele origin: germline.
Comment: The c.1974_1977delTAAA (p.N658Kfs*15) alteration, located in exon 16 (coding exon 15) of the PIBF1 gene, consists of a deletion of 4 nucleotides from position 1974 to 1977, causing a translational frameshift with a predicted alternate stop codon after 15 amino acids. This alteration is expected to result in loss of function by premature protein truncation or nonsense-mediated mRNA decay. This mutation was reported in a pediatric cardiac cohort in conjunction with a missense mutation; however, additional information and phase was not provided (Watkins, 2019). Based on the available evidence, this alteration is classified as pathogenic.

Literature cited by the submitters: PubMed 28688840 (cited by Labcorp Genetics (formerly Invitae), Labcorp); PubMed 33004012 (cited by Labcorp Genetics (formerly Invitae), Labcorp); PubMed 31624253 (cited by Ambry Genetics).

NM_006346.4(PIBF1):c.1974_1977del (p.Asn658fs)

Gene: PIBF1 (progesterone immunomodulatory binding factor 1; plus strand). Cytogenetic location: 13q22.1.
Variant type: Microsatellite.
Coding change: c.1974_1977del on transcript NM_006346.4 (MANE Select); coding-DNA positions 1974 to 1977, 4 bases deleted (TAAA; older notation c.1974_1977delTAAA).
Protein change: p.Asn658fs; shifts the reading frame from asparagine 658.
Molecular consequence: frameshift variant. On other transcripts: non-coding transcript variant (1).
Genome position (GRCh38, 1-based): chr13:72,973,600-72,973,603, TAAA deleted; deleting any 4 consecutive bases within chr13:72,973,596-72,973,603 gives the same sequence; the c. name uses the placement nearest the transcript's 3' end. VCF-style (leftmost placement, unchanged base first): chr13-72973595-TTAAA-T. GRCh37 (hg19) VCF-style: chr13-73547733-TTAAA-T.
Other names: c.1974_1977delTAAA (NM_006346.2, NM_006346.4); c.2061_2064del, p.Asn687fs (NM_001349655.2); short protein forms N658fs, N687fs.
Identifiers: ClinVar variation 2396608 (VCV002396608.8), dbSNP rs146814641, ClinGen allele CA7002478.